The following is an entry in ClinVar:

ClinVar aggregate classification (germline): Conflicting classifications of pathogenicity. Review status: criteria provided, conflicting classifications (1 of 4 stars). 4 submissions from 4 submitters: Likely pathogenic (3); Uncertain significance (1). Last evaluated 2026-01-03.

Conditions:
GRM6-related disorders.
Congenital stationary night blindness 1B. Also called: NIGHT BLINDNESS, CONGENITAL STATIONARY, COMPLETE, AUTOSOMAL RECESSIVE; Night blindness, congenital stationary (complete), 1B, autosomal recessive. Identifiers: Orphanet 215, MedGen C1850362, MONDO:0009758, OMIM 257270.

Allele frequency attached by ClinVar (database versions not stated): gnomAD 0.00006 and 0.00010; ESP Exome Variant Server 0.00008; TOPMed 0.00011; 1000 Genomes Project 30x 0.00016; gnomAD exomes 0.00019; 1000 Genomes Project 0.00020.
gnomAD v4.1: 202 of 1,614,150 alleles (0.013%); highest among the groups gnomAD compares: South Asian, 0.074%; 1 homozygote.

Submissions (4):

Labcorp Genetics (formerly Invitae), Labcorp
Classification: Likely pathogenic. Last evaluated: 2026-01-03. Review status: criteria provided, single submitter. Criteria: Invitae Variant Classification Sherloc (09022015). Collection method: clinical testing. Allele origin: germline.
Comment: This sequence change replaces arginine, which is basic and polar, with cysteine, which is neutral and slightly polar, at codon 677 of the GRM6 protein (p.Arg677Cys). This variant is present in population databases (rs138551288, gnomAD 0.07%). This missense change has been observed in individuals with clinical features of congenital stationary night blindness (PMID: 22008250, 22959359). ClinVar contains an entry for this variant (Variation ID: 834737). Invitae Evidence Modeling of protein sequence and biophysical properties (such as structural, functional, and spatial information, amino acid conservation, physicochemical variation, residue mobility, and thermodynamic stability) has been performed for this missense variant. However, the output from this modeling did not meet the statistical confidence thresholds required to predict the impact of this variant on GRM6 protein function. This variant disrupts the p.Arg677 amino acid residue in GRM6. Other variant(s) that disrupt this residue have been observed in individuals with GRM6-related conditions (PMID: 22008250), which suggests that this may be a clinically significant amino acid residue. In summary, the currently available evidence indicates that the variant is pathogenic, but additional data are needed to prove that conclusively. Therefore, this variant has been classified as Likely Pathogenic.

Blueprint Genetics
Classification: Likely pathogenic for GRM6-related disorders. Last evaluated: 2024-10-11. Review status: criteria provided, single submitter. Criteria: ACMG Guidelines, 2015. Collection method: clinical testing. Allele origin: germline. Affected: yes. Observed: 5 variant alleles.

Department of Pathology and Laboratory Medicine, Sinai Health System
Classification: Uncertain significance for Congenital stationary night blindness 1B. Last evaluated: 2023-03-13. Review status: criteria provided, single submitter. Criteria: ACMG Guidelines, 2015. Collection method: research. Allele origin: germline.

Juno Genomics, Hangzhou Juno Genomics, Inc
Classification: Likely pathogenic for Congenital stationary night blindness 1B. Review status: criteria provided, single submitter. Criteria: ACMG Guidelines, 2015. Collection method: clinical testing. Allele origin: germline.
Comment: Absent from controls (or at extremely low frequency if recessive) in Genome Aggregation Database.;Multiple lines of computational evidence support a deleterious effect on the gene or gene product.;For recessive disorders, detected in trans with a pathogenic variant.;Patient's phenotype or family history is highly specific for a disease with a single genetic etiology.

Literature cited by the submitters: PubMed 22008250 (cited by Labcorp Genetics (formerly Invitae), Labcorp); PubMed 22959359 (cited by Labcorp Genetics (formerly Invitae), Labcorp).

NM_000843.4(GRM6):c.2029C>T (p.Arg677Cys)

Genes: GRM6 (glutamate metabotropic receptor 6; minus strand), ZNF454 (zinc finger protein 454; plus strand). Cytogenetic location: 5q35.3.
Variant type: single nucleotide variant.
Coding change: c.2029C>T on transcript NM_000843.4 (MANE Select); coding-DNA position 2029, C replaced by T.
Protein change: p.Arg677Cys; replaces arginine 677 with cysteine.
Molecular consequence: missense variant.
Genome position (GRCh38, 1-based): chr5:178,986,225, G>A on the plus strand (C>T on the coding strand, the complement: GRM6 is on the minus strand). VCF-style: chr5-178986225-G-A. GRCh37 (hg19) VCF-style: chr5-178413226-G-A.
Other names: short protein forms R677C.
Identifiers: ClinVar variation 834737 (VCV000834737.12), dbSNP rs138551288, ClinGen allele CA3593853.